The following is an entry in ClinVar:

NM_001369.3(DNAH5):c.11455+1G>C

Gene: DNAH5 (dynein axonemal heavy chain 5; minus strand). Cytogenetic location: 5p15.2.
Variant type: single nucleotide variant.
Coding change: c.11455+1G>C on transcript NM_001369.3 (MANE Select); the canonical splice donor site of the intron after coding-DNA position 11455, G replaced by C.
Molecular consequence: splice donor variant.
Genome position (GRCh38, 1-based): chr5:13,737,251, C>G on the plus strand (G>C on the coding strand, the complement: DNAH5 is on the minus strand). VCF-style: chr5-13737251-C-G. GRCh37 (hg19) VCF-style: chr5-13737360-C-G.
Identifiers: ClinVar variation 3674785 (VCV003674785.2).

ClinVar aggregate classification (germline): Likely pathogenic (1 of 4 stars; one submission).

Conditions:
Primary ciliary dyskinesia. Also called: Ciliary dyskinesia. Identifiers: Orphanet 244, MedGen C0008780, MONDO:0016575, HP:0012265.

gnomAD v4.1: 2 of 1,614,044 alleles (0.00012%); highest among the groups gnomAD compares: Non-Finnish European, 0.00017%; no homozygotes.

Submission:

Labcorp Genetics (formerly Invitae), Labcorp
Classification: Likely pathogenic for Primary ciliary dyskinesia. Last evaluated: 2024-06-03. Review status: criteria provided, single submitter. Criteria: Invitae Variant Classification Sherloc (09022015). Collection method: clinical testing. Allele origin: germline.
Comment: This sequence change affects a donor splice site in intron 66 of the DNAH5 gene. It is expected to disrupt RNA splicing. Variants that disrupt the donor or acceptor splice site typically lead to a loss of protein function (PMID: 16199547), and loss-of-function variants in DNAH5 are known to be pathogenic (PMID: 11788826, 16627867). This variant is not present in population databases (gnomAD no frequency). This variant has not been reported in the literature in individuals affected with DNAH5-related conditions. Algorithms developed to predict the effect of sequence changes on RNA splicing suggest that this variant may disrupt the consensus splice site. In summary, the currently available evidence indicates that the variant is pathogenic, but additional data are needed to prove that conclusively. Therefore, this variant has been classified as Likely Pathogenic.

Literature cited by the submitters: PubMed 16199547; PubMed 11788826; PubMed 16627867.